The following is an entry in ClinVar:

ClinVar aggregate classification (germline): Uncertain significance (1 of 4 stars; one submission).

Submission:

Labcorp Genetics (formerly Invitae), Labcorp
Classification: Uncertain significance. Last evaluated: 2024-05-28. Review status: criteria provided, single submitter. Criteria: Invitae Variant Classification Sherloc (09022015). Collection method: clinical testing. Allele origin: germline.
Comment: This variant, c.171_182del, results in the deletion of 4 amino acid(s) of the HOXD13 protein (p.Ala68_Ala71del), but otherwise preserves the integrity of the reading frame. The frequency data for this variant in the population databases is considered unreliable, as metrics indicate poor data quality at this position in the gnomAD database. This variant has been observed in individual(s) with clinical features of synpolydactyly and/or polydactyly (PMID: 18399101, 33533119). It has also been observed to segregate with disease in related individuals. This variant is also known as c.171_182delGGCGGCGGCGGC p.56_60delAAAA. Experimental studies and prediction algorithms are not available or were not evaluated, and the functional significance of this variant is currently unknown. In summary, the available evidence is currently insufficient to determine the role of this variant in disease. Therefore, it has been classified as a Variant of Uncertain Significance.

Literature cited by the submitters: PubMed 18399101; PubMed 33533119.

NM_000523.4(HOXD13):c.168GGC[1] (p.Ala68_Ala71del)

Gene: HOXD13 (homeobox D13; plus strand). Cytogenetic location: 2q31.1.
Variant type: Microsatellite.
Coding change: c.168GGC[1] on transcript NM_000523.4 (MANE Select); one copy of the 3-base unit GGC starting at c.168; the reference has five copies in a row; four copies, 12 bases deleted.
Protein change: p.Ala68_Ala71del.
Molecular consequence: inframe deletion.
Genome position (GRCh38, 1-based): chr2:176,093,061-176,093,072, GGCGGCGGCGGC deleted; deleting any 12 consecutive bases within chr2:176,093,058-176,093,072 gives the same sequence; the position shown is the placement nearest the transcript's 3' end. VCF-style (leftmost placement, unchanged base first): chr2-176093057-GGGCGGCGGCGGC-G. GRCh37 (hg19) VCF-style: chr2-176957785-GGGCGGCGGCGGC-G.
Identifiers: ClinVar variation 1403115 (VCV001403115.8), dbSNP rs3832095, ClinGen allele CA1976509.
Genomic context (GRCh38, chr2:176,093,057, plus strand): 5'-CGTCAGGCCAGTGCCGCGGCTTTCTCTCCGCGCCTGTGTTCGCCGGGACGCATTCGGGGC[GGGCGGCGGCGGC>G]GGCAGCGGCGGCTGCGGCGGCGGCGGCGGCAGCCTCCGGCTTTGCGTACCCCGGGACCTC-3'